The following is an entry in ClinVar:

NM_182961.4(SYNE1):c.9261C>T (p.Thr3087=)

Gene: SYNE1 (spectrin repeat containing nuclear envelope protein 1; minus strand). Cytogenetic location: 6q25.2.
Variant type: single nucleotide variant.
Coding change: c.9261C>T on transcript NM_182961.4 (MANE Select); coding-DNA position 9261, C replaced by T.
Protein change: p.Thr3087=; no amino-acid change (threonine 3087 retained).
Molecular consequence: synonymous variant.
Genome position (GRCh38, 1-based): chr6:152,376,444, G>A on the plus strand (C>T on the coding strand, the complement: SYNE1 is on the minus strand). VCF-style: chr6-152376444-G-A. GRCh37 (hg19) VCF-style: chr6-152697579-G-A.
Other names: c.9282C>T, p.Thr3094= (NM_033071.5).
Identifiers: ClinVar variation 288604 (VCV000288604.17), dbSNP rs199554198, ClinGen allele CA4057360.
Genomic context (GRCh38, chr6:152,376,444, plus strand): 5'-TATTTTCTGAAGACTAGTTGAAACTTCACTTATATTTTGAGGTATATCAAAACACTTGGC[G>A]GTAGTGATTTTTGCATTAACCAACCACTGCTGGAAATCCCTGAAGGCCTTTCGAAATCTT-3'
Protein context (NP_892006.3, residues 3077-3097): QQWLVNAKIT[Thr3087=]AKCFDIPQNI

ClinVar aggregate classification (germline): Conflicting classifications of pathogenicity. Review status: criteria provided, conflicting classifications (1 of 4 stars). 4 submissions from 3 submitters: Uncertain significance (2); Likely benign (2). Last evaluated 2023-05-20.

Conditions:
Autosomal recessive ataxia, Beauce type. Also called: Spinocerebellar ataxia, autosomal recessive 8; ATAXIA, RECESSIVE, OF BEAUCE; SYNE1 Deficiency; SYNE1-Related Autosomal Recessive Cerebellar Ataxia. Identifiers: Orphanet 88644, MedGen C1853116, MONDO:0012549, OMIM 610743.
Emery-Dreifuss muscular dystrophy 4, autosomal dominant (EDMD4). Also called: EMERY-DREIFUSS MUSCULAR DYSTROPHY 4 WITH VARIABLE FEATURES. Identifiers: Orphanet 261, MedGen C2751807, MONDO:0013071, OMIM 612998.

Allele frequency attached by ClinVar (database versions not stated): gnomAD 0.00001; gnomAD exomes 0.00001 and 0.00003; TOPMed 0.00001; 1000 Genomes Project 0.00020; 1000 Genomes Project 30x 0.00031.
gnomAD v4.1: 16 of 1,614,172 alleles (0.00099%); highest among the groups gnomAD compares: East Asian, 0.016%; no homozygotes.

Submissions (4):

Labcorp Genetics (formerly Invitae), Labcorp
Classification: Likely benign for Emery-Dreifuss muscular dystrophy 4, autosomal dominant; Autosomal recessive ataxia, Beauce type. Last evaluated: 2023-05-20. Review status: criteria provided, single submitter. Criteria: Invitae Variant Classification Sherloc (09022015). Collection method: clinical testing. Allele origin: germline.

Illumina Laboratory Services, Illumina
Classification: Likely benign for Emery-Dreifuss muscular dystrophy 4, autosomal dominant. Last evaluated: 2018-01-13. Review status: criteria provided, single submitter. Criteria: ICSL Variant Classification Criteria 13 December 2019. Collection method: clinical testing. Allele origin: germline.
Comment: This variant was observed in the ICSL laboratory as part of a predisposition screen in an ostensibly healthy population. It had not been previously curated by ICSL or reported in the Human Gene Mutation Database (HGMD: prior to June 1st, 2018), and was therefore a candidate for classification through an automated scoring system. Utilizing variant allele frequency, disease prevalence and penetrance estimates, and inheritance mode, an automated score was calculated to assess if this variant is too frequent to cause the disease. Based on the score and internal cut-off values, a variant classified as likely benign is not then subjected to further curation. The score for this variant resulted in a classification of likely benign for this disease.

Illumina Laboratory Services, Illumina
Classification: Uncertain significance for Autosomal recessive ataxia, Beauce type. Last evaluated: 2018-01-13. Review status: criteria provided, single submitter. Criteria: ICSL Variant Classification Criteria 13 December 2019. Collection method: clinical testing. Allele origin: germline.

Eurofins Ntd Llc (ga)
Classification: Uncertain significance. Last evaluated: 2017-07-27. Review status: criteria provided, single submitter. Criteria: EGL Classification Definitions 2015. Collection method: clinical testing. Allele origin: germline. Observed: 2 variant alleles, 2 heterozygotes.